The following is an entry in ClinVar:

ClinVar aggregate classification (germline): Uncertain significance (1 of 4 stars; one submission).

gnomAD v4.1: 2 of 1,504,388 alleles (0.00013%); highest among the groups gnomAD compares: African/African-American, 0.0014%; no homozygotes.

Submission:

Labcorp Genetics (formerly Invitae), Labcorp
Classification: Uncertain significance. Last evaluated: 2025-10-01. Review status: criteria provided, single submitter. Criteria: Invitae Variant Classification Sherloc (09022015). Collection method: clinical testing. Allele origin: germline.
Comment: This sequence change replaces leucine, which is neutral and non-polar, with proline, which is neutral and non-polar, at codon 19 of the SPPL2A protein (p.Leu19Pro). This variant is present in population databases (no rsID available, gnomAD 0.01%). This variant has not been reported in the literature in individuals affected with SPPL2A-related conditions. ClinVar contains an entry for this variant (Variation ID: 3690613). An algorithm developed to predict the effect of missense changes on protein structure and function (PolyPhen-2) suggests that this variant is likely to be tolerated. In summary, the available evidence is currently insufficient to determine the role of this variant in disease. Therefore, it has been classified as a Variant of Uncertain Significance.

NM_032802.4(SPPL2A):c.56T>C (p.Leu19Pro)

Genes: SPPL2A (signal peptide peptidase like 2A; minus strand), LOC130057047 (ATAC-STARR-seq lymphoblastoid silent region 6430; plus strand). Cytogenetic location: 15q21.2.
Variant type: single nucleotide variant.
Coding change: c.56T>C on transcript NM_032802.4 (MANE Select); coding-DNA position 56, T replaced by C.
Protein change: p.Leu19Pro; replaces leucine 19 with proline.
Molecular consequence: missense variant.
Genome position (GRCh38, 1-based): chr15:50,765,478, A>G on the plus strand (T>C on the coding strand, the complement: SPPL2A is on the minus strand). VCF-style: chr15-50765478-A-G. GRCh37 (hg19) VCF-style: chr15-51057675-A-G.
Other names: short protein forms L19P.
Identifiers: ClinVar variation 3690613 (VCV003690613.2).